The following is an entry in ClinVar:

NM_001195263.2(PDZD7):c.1735C>T (p.Arg579Cys)

Gene: PDZD7 (PDZ domain containing 7; minus strand). Cytogenetic location: 10q24.31.
Variant type: single nucleotide variant.
Coding change: c.1735C>T on transcript NM_001195263.2 (MANE Select); coding-DNA position 1735, C replaced by T.
Protein change: p.Arg579Cys; replaces arginine 579 with cysteine.
Molecular consequence: missense variant.
Genome position (GRCh38, 1-based): chr10:101,015,650, G>A on the plus strand (C>T on the coding strand, the complement: PDZD7 is on the minus strand). VCF-style: chr10-101015650-G-A. GRCh37 (hg19) VCF-style: chr10-102775407-G-A.
Other names: c.1735C>T (NM_001195263.1); short protein forms R579C.
Identifiers: ClinVar variation 2164061 (VCV002164061.4), dbSNP rs959548253, ClinGen allele CA212981927.

ClinVar aggregate classification (germline): Uncertain significance. Review status: criteria provided, multiple submitters, no conflicts (2 of 4 stars). 2 submissions from 2 submitters: Uncertain significance (2). Last evaluated 2024-11-18.

Allele frequency attached by ClinVar (database versions not stated): gnomAD exomes 0.00002; TOPMed 0.00002; gnomAD 0.00004.
gnomAD v4.1: 30 of 1,549,510 alleles (0.0019%); highest among the groups gnomAD compares: East Asian, 0.0049%; no homozygotes.

Submissions (2):

GeneDx
Classification: Uncertain significance. Last evaluated: 2024-11-18. Review status: criteria provided, single submitter. Criteria: GeneDx Variant Classification Process June 2021. Collection method: clinical testing. Allele origin: germline. Affected: yes.
Comment: In silico analysis supports that this missense variant has a deleterious effect on protein structure/function; Has not been previously published as pathogenic or benign to our knowledge

Labcorp Genetics (formerly Invitae), Labcorp
Classification: Uncertain significance. Last evaluated: 2024-11-11. Review status: criteria provided, single submitter. Criteria: Invitae Variant Classification Sherloc (09022015). Collection method: clinical testing. Allele origin: germline.
Comment: This sequence change replaces arginine, which is basic and polar, with cysteine, which is neutral and slightly polar, at codon 579 of the PDZD7 protein (p.Arg579Cys). This variant is present in population databases (no rsID available, gnomAD 0.02%). This variant has not been reported in the literature in individuals affected with PDZD7-related conditions. ClinVar contains an entry for this variant (Variation ID: 2164061). Invitae Evidence Modeling of protein sequence and biophysical properties (such as structural, functional, and spatial information, amino acid conservation, physicochemical variation, residue mobility, and thermodynamic stability) indicates that this missense variant is not expected to disrupt PDZD7 protein function with a negative predictive value of 80%. In summary, the available evidence is currently insufficient to determine the role of this variant in disease. Therefore, it has been classified as a Variant of Uncertain Significance.